The following is an entry in ClinVar:

ClinVar aggregate classification (germline): Likely pathogenic (1 of 4 stars; one submission).

Conditions:
Duchenne muscular dystrophy (DMD). Also called: MUSCULAR DYSTROPHY, PSEUDOHYPERTROPHIC PROGRESSIVE, DUCHENNE TYPE; Duchenne Muscular Dystrophy (DMD). Identifiers: Orphanet 98896, MedGen C0013264, MONDO:0010679, OMIM 310200.

Submission:

Laboratory of Medical Genetics, National & Kapodistrian University of Athens
Classification: Likely pathogenic for Duchenne muscular dystrophy. Last evaluated: 2022-12-16. Review status: criteria provided, single submitter. Criteria: ACMG Guidelines, 2015. Collection method: clinical testing. Allele origin: germline. Affected: yes.
Comment: PVS1, PM2

NM_004006.3(DMD):c.9442_9457del (p.Leu3148fs)

Gene: DMD (dystrophin; minus strand). Cytogenetic location: Xp21.2.
Variant type: Deletion.
Coding change: c.9442_9457del on transcript NM_004006.3 (MANE Select); coding-DNA positions 9442 to 9457, 16 bases deleted (CTGCAGATTATTAATT).
Protein change: p.Leu3148fs; shifts the reading frame from leucine 3148.
Molecular consequence: frameshift variant.
Genome position (GRCh38, 1-based): chrX:31,209,604-31,209,619, AATTAATAATCTGCAG deleted on the plus strand (CTGCAGATTATTAATT on the coding strand, the reverse complement: DMD is on the minus strand). VCF-style (leftmost placement, unchanged base first): chrX-31209603-CAATTAATAATCTGCAG-C. GRCh37 (hg19) VCF-style: chrX-31227720-CAATTAATAATCTGCAG-C.
Other names: c.9418_9433del, p.Leu3140fs (NM_000109.4); c.9430_9445del, p.Leu3144fs (NM_004009.3); c.9073_9088del, p.Leu3025fs (NM_004010.3); c.5419_5434del, p.Leu1807fs (NM_004011.4); c.5410_5425del, p.Leu1804fs (NM_004012.4); c.2062_2077del, p.Leu688fs (NM_004013.3, NM_004020.4, NM_004021.3 and 2 more transcripts); c.1255_1270del, p.Leu419fs (NM_004014.3); c.238_253del, p.Leu80fs (NM_004015.3, NM_004016.3, NM_004017.3 and 2 more transcripts); short protein forms L1804fs, L1807fs, L3025fs, L3140fs, L3144fs, L3148fs, L419fs, L688fs.
Identifiers: ClinVar variation 1806432 (VCV001806432.1), dbSNP rs2521432169, ClinGen allele CA2580100579.